The following is an entry in ClinVar:

NM_001040716.2(PC):c.1093G>A (p.Glu365Lys)

Gene: PC (pyruvate carboxylase; minus strand). Cytogenetic location: 11q13.2.
Variant type: single nucleotide variant.
Coding change: c.1093G>A on transcript NM_001040716.2 (MANE Select); coding-DNA position 1093, G replaced by A.
Protein change: p.Glu365Lys; replaces glutamic acid 365 with lysine.
Molecular consequence: missense variant.
Genome position (GRCh38, 1-based): chr11:66,866,279, C>T on the plus strand (G>A on the coding strand, the complement: PC is on the minus strand). VCF-style: chr11-66866279-C-T. GRCh37 (hg19) VCF-style: chr11-66633750-C-T.
Other names: c.1093G>A, p.Glu365Lys (NM_000920.4, NM_001439352.1, NM_001439353.1 and 5 more transcripts); short protein forms E365K.
Identifiers: ClinVar variation 5018650 (VCV005018650.2).

ClinVar aggregate classification (germline): Uncertain significance (1 of 4 stars; one submission).

Conditions:
Pyruvate carboxylase deficiency. Also called: LEIGH NECROTIZING ENCEPHALOPATHY DUE TO PYRUVATE CARBOXYLASE DEFICIENCY; LEIGH SYNDROME DUE TO PYRUVATE CARBOXYLASE DEFICIENCY; PC DEFICIENCY; ATAXIA WITH LACTIC ACIDOSIS II; Pyruvate Carboxylase Deficiency Disease. Identifiers: Orphanet 3008, MedGen C0034341, MONDO:0009949, OMIM 266150.

gnomAD v4.1: 1 of 1,613,286 alleles (0.000062%); highest among the groups gnomAD compares: Non-Finnish European, 0.000085%; no homozygotes.

Submission:

Juno Genomics, Hangzhou Juno Genomics, Inc
Classification: Uncertain significance for Pyruvate carboxylase deficiency. Review status: criteria provided, single submitter. Criteria: ACMG Guidelines, 2015. Collection method: clinical testing. Allele origin: germline.
Comment: Absent from controls (or at extremely low frequency if recessive) in Genome Aggregation Database.;Missense variant in a gene that has a low rate of benign missense variation.